The following is an entry in ClinVar:

NM_152703.5(SAMD9L):c.4327C>G (p.Gln1443Glu)

Gene: SAMD9L (sterile alpha motif domain containing 9 like; minus strand). Cytogenetic location: 7q21.2.
Variant type: single nucleotide variant.
Coding change: c.4327C>G on transcript NM_152703.5 (MANE Select); coding-DNA position 4327, C replaced by G.
Protein change: p.Gln1443Glu; replaces glutamine 1443 with glutamic acid.
Molecular consequence: missense variant.
Genome position (GRCh38, 1-based): chr7:93,131,645, G>C on the plus strand (C>G on the coding strand, the complement: SAMD9L is on the minus strand). VCF-style: chr7-93131645-G-C. GRCh37 (hg19) VCF-style: chr7-92760958-G-C.
Other names: c.4327C>G, p.Gln1443Glu (NM_001303496.3, NM_001303497.3, NM_001303498.3 and 5 more transcripts); c.4327C>G (NM_152703.2); short protein forms Q1443E.
Identifiers: ClinVar variation 2793477 (VCV002793477.5), dbSNP rs1258256090, ClinGen allele CA368174493.

ClinVar aggregate classification (germline): Conflicting classifications of pathogenicity. Review status: criteria provided, conflicting classifications (1 of 4 stars). 2 submissions from 2 submitters: Uncertain significance (1); Likely benign (1). Last evaluated 2025-05-19.

Conditions:
Inborn genetic diseases. Identifiers: MedGen C0950123, MeSH D030342.

Allele frequency attached by ClinVar (database versions not stated): gnomAD exomes below 0.00001; gnomAD 0.00001; TOPMed 0.00001.
gnomAD v4.1: 3 of 1,613,724 alleles (0.00019%); highest among the groups gnomAD compares: Non-Finnish European, 0.00025%; no homozygotes.

Submissions (2):

Ambry Genetics
Classification: Likely benign for Inborn genetic diseases. Last evaluated: 2025-05-19. Review status: criteria provided, single submitter. Criteria: Ambry Variant Classification Scheme 2023. Collection method: clinical testing. Allele origin: germline.

Labcorp Genetics (formerly Invitae), Labcorp
Classification: Uncertain significance. Last evaluated: 2022-11-03. Review status: criteria provided, single submitter. Criteria: Invitae Variant Classification Sherloc (09022015). Collection method: clinical testing. Allele origin: germline.
Comment: This sequence change replaces glutamine, which is neutral and polar, with glutamic acid, which is acidic and polar, at codon 1443 of the SAMD9L protein (p.Gln1443Glu). This variant is not present in population databases (gnomAD no frequency). This variant has not been reported in the literature in individuals affected with SAMD9L-related conditions. Advanced modeling of protein sequence and biophysical properties (such as structural, functional, and spatial information, amino acid conservation, physicochemical variation, residue mobility, and thermodynamic stability) performed at Invitae indicates that this missense variant is not expected to disrupt SAMD9L protein function. In summary, the available evidence is currently insufficient to determine the role of this variant in disease. Therefore, it has been classified as a Variant of Uncertain Significance.